The following is an entry in ClinVar:

NM_001378969.1(KCND3):c.98A>T (p.Asp33Val)

Gene: KCND3 (potassium voltage-gated channel subfamily D member 3; minus strand). Cytogenetic location: 1p13.2.
Variant type: single nucleotide variant.
Coding change: c.98A>T on transcript NM_001378969.1 (MANE Select); coding-DNA position 98, A replaced by T.
Protein change: p.Asp33Val; replaces aspartic acid 33 with valine.
Molecular consequence: missense variant.
Genome position (GRCh38, 1-based): chr1:111,982,629, T>A on the plus strand (A>T on the coding strand, the complement: KCND3 is on the minus strand). VCF-style: chr1-111982629-T-A. GRCh37 (hg19) VCF-style: chr1-112525251-T-A.
Other names: c.98A>T, p.Asp33Val (NM_001378970.1, NM_004980.5, NM_172198.3); short protein forms D33V.
Identifiers: ClinVar variation 1442617 (VCV001442617.9), dbSNP rs760460512, ClinGen allele CA1007648.

ClinVar aggregate classification (germline): Uncertain significance. Review status: criteria provided, multiple submitters, no conflicts (2 of 4 stars). 2 submissions from 2 submitters: Uncertain significance (2). Last evaluated 2025-01-31.

Conditions:
Spinocerebellar ataxia type 19/22 (SCA19). Also called: SPINOCEREBELLAR ATAXIA 19; SPINOCEREBELLAR ATAXIA 22. Identifiers: Orphanet 98772, MedGen C1846367, MONDO:0011819, OMIM 607346.
Cardiovascular phenotype. Identifiers: MedGen CN230736.

Allele frequency attached by ClinVar (database versions not stated): ExAC 0.00001; gnomAD exomes 0.00001 and 0.00005.
gnomAD v4.1: 67 of 1,613,850 alleles (0.0042%); highest among the groups gnomAD compares: Non-Finnish European, 0.0056%; no homozygotes.

Submissions (2):

Ambry Genetics
Classification: Uncertain significance for Cardiovascular phenotype. Last evaluated: 2025-01-31. Review status: criteria provided, single submitter. Criteria: Ambry Variant Classification Scheme 2023. Collection method: clinical testing. Allele origin: germline.
Comment: The p.D33V variant (also known as c.98A>T), located in coding exon 1 of the KCND3 gene, results from an A to T substitution at nucleotide position 98. The aspartic acid at codon 33 is replaced by valine, an amino acid with highly dissimilar properties. This amino acid position is not well conserved in available vertebrate species. In addition, the in silico prediction for this alteration is inconclusive. Since supporting evidence is limited at this time, the clinical significance of this alteration remains unclear.

Labcorp Genetics (formerly Invitae), Labcorp
Classification: Uncertain significance for Spinocerebellar ataxia type 19/22. Last evaluated: 2021-08-03. Review status: criteria provided, single submitter. Criteria: Invitae Variant Classification Sherloc (09022015). Collection method: clinical testing. Allele origin: germline.
Comment: This sequence change replaces aspartic acid with valine at codon 33 of the KCND3 protein (p.Asp33Val). The aspartic acid residue is moderately conserved and there is a large physicochemical difference between aspartic acid and valine. In summary, the available evidence is currently insufficient to determine the role of this variant in disease. Therefore, it has been classified as a Variant of Uncertain Significance. Algorithms developed to predict the effect of missense changes on protein structure and function (SIFT, PolyPhen-2, Align-GVGD) all suggest that this variant is likely to be tolerated. This variant has not been reported in the literature in individuals affected with KCND3-related conditions. This variant is present in population databases (rs760460512, ExAC 0.002%).